The following is an entry in ClinVar:

ClinVar aggregate classification (germline): Conflicting classifications of pathogenicity. Review status: criteria provided, conflicting classifications (1 of 4 stars). 4 submissions from 4 submitters: Uncertain significance (1); Benign (2); Likely benign (1). Last evaluated 2026-03-23.

Conditions:
Fanconi anemia complementation group D2. Also called: FANCD2-Related Fanconi Anemia; FANCONI PANCYTOPENIA, TYPE 4; FANCONI ANEMIA, COMPLEMENTATION GROUP D. Identifiers: Orphanet 84, MedGen C3160738, MONDO:0009214, OMIM 227646.

Allele frequency attached by ClinVar (database versions not stated): ExAC 0.44169; 1000 Genomes Project 30x 0.44488.

Submissions (4):

Women's Health and Genetics/Laboratory Corporation of America, LabCorp
Classification: Uncertain significance. Last evaluated: 2026-03-23. Review status: criteria provided, single submitter. Criteria: LabCorp Variant Classification Summary - May 2015. Collection method: clinical testing. Allele origin: germline.
Comment: Variant summary: FANCD2 c.1413+3A>G alters a nucleotide located close to a canonical splice site and therefore could affect mRNA splicing, leading to a significantly altered protein sequence. Several computational tools predict a significant impact on normal splicing: Three predict the variant weakens the 5' canonical donor site. One predict the variant abolishes the 5' canonical donor site. One predict the variant no significant impact on splicing. However, these predictions have yet to be confirmed by functional studies. The frequency data for this variant in gnomAD is considered unreliable, as metrics indicate poor data quality at this position. c.1413+3A>G has been observed at a single heterozygous state in one individual affected with Fanconi Anemia (Chang_2023). These report(s) do not provide unequivocal conclusions about association of the variant with Fanconi Anemia. To our knowledge, no experimental evidence demonstrating an impact on protein function has been reported. The following publication has been ascertained in the context of this evaluation (PMID: 36463940). ClinVar contains an entry for this variant (Variation ID: 342268). Based on the evidence outlined above, the variant was classified as uncertain significance.

GeneDx
Classification: Likely benign. Last evaluated: 2021-02-10. Review status: criteria provided, single submitter. Criteria: GeneDx Variant Classification Process June 2021. Collection method: clinical testing. Allele origin: germline. Affected: yes.

Illumina Laboratory Services, Illumina
Classification: Benign for Fanconi anemia complementation group D2. Last evaluated: 2018-01-12. Review status: criteria provided, single submitter. Criteria: ICSL Variant Classification Criteria 13 December 2019. Collection method: clinical testing. Allele origin: germline.
Comment: This variant was observed in the ICSL laboratory as part of a predisposition screen in an ostensibly healthy population. It had not been previously curated by ICSL or reported in the Human Gene Mutation Database (HGMD: prior to June 1st, 2018), and was therefore a candidate for classification through an automated scoring system. Utilizing variant allele frequency, disease prevalence and penetrance estimates, and inheritance mode, an automated score was calculated to assess if this variant is too frequent to cause the disease. Based on the score and internal cut-off values, a variant classified as benign is not then subjected to further curation. The score for this variant resulted in a classification of benign for this disease.

ARUP Laboratories, Molecular Genetics and Genomics, ARUP Laboratories
Classification: Benign. Last evaluated: 2016-08-08. Review status: criteria provided, single submitter. Criteria: ARUP Molecular Germline Variant Investigation Process. Collection method: clinical testing. Allele origin: germline.

Literature cited by the submitters: PubMed 36463940 (cited by Women's Health and Genetics/Laboratory Corporation of America, LabCorp).

NM_001018115.3(FANCD2):c.1413+3A>G

Genes: FANCD2 (FA complementation group D2; plus strand), LOC107303338 (3p25 FANCD2 Alu-mediated recombination region; plus strand). Cytogenetic location: 3p25.3.
Variant type: single nucleotide variant.
Coding change: c.1413+3A>G on transcript NM_001018115.3 (MANE Select); 3 bases into the intron after coding-DNA position 1413, A replaced by G.
Molecular consequence: intron variant.
Genome position (GRCh38, 1-based): chr3:10,048,054, A>G. VCF-style: chr3-10048054-A-G. GRCh37 (hg19) VCF-style: chr3-10089738-A-G.
Other names: c.1413+3A>G (NM_001319984.2, NM_001374253.1, NM_033084.6 and 1 more transcripts).
Identifiers: ClinVar variation 342268 (VCV000342268.15), dbSNP rs62245508, ClinGen allele CA2249633.